The following is an entry in ClinVar:

NM_016592.5(GNAS):c.638A>G (p.Glu213Gly)

Genes: GNAS (GNAS complex locus; plus strand), GNAS-AS1 (GNAS antisense RNA 1; minus strand). Cytogenetic location: 20q13.32.
Variant type: single nucleotide variant.
Coding change: c.638A>G on transcript NM_016592.5 (MANE Plus Clinical); coding-DNA position 638, A replaced by G.
Protein change: p.Glu213Gly; replaces glutamic acid 213 with glycine.
Molecular consequence: missense variant. On other transcripts: 5 prime UTR variant (1).
Genome position (GRCh38, 1-based): chr20:58,840,744, A>G. VCF-style: chr20-58840744-A-G. GRCh37 (hg19) VCF-style: chr20-57415799-A-G.
Other names: c.-100A>G (NM_001410912.1); short protein forms E213G.
Identifiers: ClinVar variation 3348239 (VCV003348239.3).

ClinVar aggregate classification (germline): Uncertain significance. Review status: criteria provided, single submitter (1 of 4 stars). 2 submissions from 2 submitters: Uncertain significance (1). 1 of the submissions does not count toward it. Last evaluated 2024-10-01.

Conditions:
GNAS-related disorder. Identifiers: MedGen CN380105.

gnomAD v4.1: 1 of 1,605,836 alleles (0.000062%); highest among the groups gnomAD compares: Non-Finnish European, 0.000085%; no homozygotes.

Submissions (2):

Dasa
Classification: Uncertain significance. Last evaluated: 2024-10-01. Review status: criteria provided, single submitter. Criteria: DASA Assertion Criteria. Collection method: clinical testing. Allele origin: germline.
Comment: NM_016592.5(GNAS):c.638A>G (p.Glu213Gly) is a missense variant that results in the substitution of glutamic acid with glycine. This variant is rare in population databases. Computational prediction algorithms are consistent with a benign effect. The currently available literature and clinical evidence are not sufficient to establish a definitive association between this variant and the reported condition. Therefore, this variant is classified as a variant of uncertain significance.

PreventionGenetics, part of Exact Sciences
Classification: Uncertain significance for GNAS-related condition. Last evaluated: 2024-02-12. Review status: no assertion criteria provided. Collection method: clinical testing. Allele origin: germline. Not counted in ClinVar's aggregate classification.
Comment: The GNAS c.638A>G variant is predicted to result in the amino acid substitution p.Glu213Gly. To our knowledge, this variant has not been reported in the literature or in a large population database, indicating this variant is rare. At this time, the clinical significance of this variant is uncertain due to the absence of conclusive functional and genetic evidence.